The following is an entry in ClinVar:

ClinVar aggregate classification (germline): Pathogenic (1 of 4 stars; one submission).

gnomAD v4.1: 3 of 1,614,072 alleles (0.00019%); highest among the groups gnomAD compares: South Asian, 0.0022%; no homozygotes.

Submission:

GeneDx
Classification: Pathogenic. Last evaluated: 2025-06-30. Review status: criteria provided, single submitter. Criteria: GeneDx Variant Classification Process June 2021. Collection method: clinical testing. Allele origin: germline.
Comment: Identified in an individual with a neurodevelopmental disorder, but segregation and detailed clinical information was not provided (PMID: 33004838); Nonsense variant predicted to result in protein truncation or nonsense mediated decay in a gene for which loss of function is a known mechanism of disease; Not observed at significant frequency in large population cohorts (gnomAD); This variant is associated with the following publications: (PMID: 33004838)

NM_001148.6(ANK2):c.8062C>T (p.Arg2688Ter)

Gene: ANK2 (ankyrin 2; plus strand). Cytogenetic location: 4q26.
Variant type: single nucleotide variant.
Coding change: c.8062C>T on transcript NM_001148.6 (MANE Select); coding-DNA position 8062, C replaced by T.
Protein change: p.Arg2688Ter; replaces arginine 2688 with a stop codon.
Molecular consequence: nonsense. On other transcripts: intron variant (68).
Genome position (GRCh38, 1-based): chr4:113,356,680, C>T. VCF-style: chr4-113356680-C-T. GRCh37 (hg19) VCF-style: chr4-114277836-C-T.
Other names: c.4364-4143C>T (NM_001354243.2, NM_001354255.2, NM_001386143.1); c.4265-4143C>T (NM_001354262.2, NM_001354275.2, NM_001354245.2); c.4202-4143C>T (NM_001354253.2, NM_001354270.2); c.4166-4143C>T (NM_001354257.2, NM_001386156.1); c.4241-4143C>T (NM_001354249.2, NM_001354266.2, NM_001354276.2 and 2 more transcripts); c.4208-4143C>T (NM_001386146.1, NM_001386150.1, NM_001386149.1 and 1 more transcripts); c.4193-4143C>T (NM_001354274.2, NM_001386154.1); c.4142-4143C>T (NM_001386151.1, NM_001354260.2, NM_001354271.2); and 35 more; short protein forms R1488*, R2610*, R2688*, R2727*, R2735*.
Identifiers: ClinVar variation 3906496 (VCV003906496.2).
Genomic context (GRCh38, chr4:113,356,680, plus strand): 5'-CCTGAGTTGGCACAGCTTAAAAAAGGTGCTGACTCAGGCCTTTTACCAGAACCAGTGATT[C>T]GAGTACAACCTCCTTCTCCACTTCCATCAAGCATGGACTCCAATTCCAGTCCAGAAGAAG-3'